The following is an entry in ClinVar:

NM_000548.5(TSC2):c.2500T>A (p.Ser834Thr)

Gene: TSC2 (TSC complex subunit 2; plus strand). Cytogenetic location: 16p13.3.
Variant type: single nucleotide variant.
Coding change: c.2500T>A on transcript NM_000548.5 (MANE Select); coding-DNA position 2500, T replaced by A.
Protein change: p.Ser834Thr; replaces serine 834 with threonine.
Molecular consequence: missense variant.
Genome position (GRCh38, 1-based): chr16:2,074,344, T>A. VCF-style: chr16-2074344-T-A. GRCh37 (hg19) VCF-style: chr16-2124345-T-A.
Other names: c.1900T>A, p.Ser634Thr (NM_001406683.1, NM_001406684.1, NM_001406685.1 and 6 more transcripts); c.1156T>A, p.Ser386Thr (NM_001406689.1, NM_001406690.1, NM_001406691.1 and 6 more transcripts); c.2500T>A, p.Ser834Thr (NM_001077183.3, NM_001114382.3, NM_001363528.2 and 6 more transcripts); c.2389T>A, p.Ser797Thr (NM_001318827.2, NM_001406670.1, NM_001406678.1); c.2353T>A, p.Ser785Thr (NM_001318829.2, NM_001406675.1, NM_001406676.1 and 1 more transcripts); c.2533T>A, p.Ser845Thr (NM_001318832.2); c.2590T>A, p.Ser864Thr (NM_001406667.1, NM_001406668.1); c.2488T>A, p.Ser830Thr (NM_001406671.1, NM_001406673.1); and 3 more; short protein forms S680T, S785T, S815T, S300T, S386T, S634T, S834T, S864T.
Identifiers: ClinVar variation 2140762 (VCV002140762.6), dbSNP rs2543825208, ClinGen allele CA394277829.

ClinVar aggregate classification (germline): Uncertain significance. Review status: criteria provided, multiple submitters, no conflicts (2 of 4 stars). 2 submissions from 2 submitters: Uncertain significance (2). Last evaluated 2025-07-01.

Conditions:
Tuberous sclerosis 2 (TSC2). Identifiers: Orphanet 805, MedGen C1860707, MONDO:0013199, OMIM 613254.
Hereditary cancer-predisposing syndrome. Also called: Tumor predisposition; Hereditary Cancer Syndrome; Hereditary neoplastic syndrome; Neoplastic Syndromes, Hereditary. Identifiers: Orphanet 140162, MedGen C0027672, MeSH D009386, MONDO:0015356.

Submissions (2):

Labcorp Genetics (formerly Invitae), Labcorp
Classification: Uncertain significance for Tuberous sclerosis 2. Last evaluated: 2025-07-01. Review status: criteria provided, single submitter. Criteria: Invitae Variant Classification Sherloc (09022015). Collection method: clinical testing. Allele origin: germline.
Comment: This sequence change replaces serine, which is neutral and polar, with threonine, which is neutral and polar, at codon 834 of the TSC2 protein (p.Ser834Thr). This variant is not present in population databases (gnomAD no frequency). This variant has not been reported in the literature in individuals affected with TSC2-related conditions. ClinVar contains an entry for this variant (Variation ID: 2140762). Invitae Evidence Modeling of protein sequence and biophysical properties (such as structural, functional, and spatial information, amino acid conservation, physicochemical variation, residue mobility, and thermodynamic stability) indicates that this missense variant is not expected to disrupt TSC2 protein function with a negative predictive value of 95%. In summary, the available evidence is currently insufficient to determine the role of this variant in disease. Therefore, it has been classified as a Variant of Uncertain Significance.

Ambry Genetics
Classification: Uncertain significance for Hereditary cancer-predisposing syndrome. Last evaluated: 2023-03-17. Review status: criteria provided, single submitter. Criteria: Ambry Variant Classification Scheme 2023. Collection method: clinical testing. Allele origin: germline.
Comment: The p.S834T variant (also known as c.2500T>A), located in coding exon 21 of the TSC2 gene, results from a T to A substitution at nucleotide position 2500. The serine at codon 834 is replaced by threonine, an amino acid with similar properties. This amino acid position is conserved. In addition, this alteration is predicted to be deleterious by in silico analysis. Since supporting evidence is limited at this time, the clinical significance of this alteration remains unclear.